The following is an entry in ClinVar:

ClinVar aggregate classification (germline): Uncertain significance. Review status: criteria provided, multiple submitters, no conflicts (2 of 4 stars). 2 submissions from 2 submitters: Uncertain significance (2). Last evaluated 2023-08-02.

Allele frequency attached by ClinVar (database versions not stated): gnomAD exomes 0.00004; TOPMed 0.00005; gnomAD 0.00006.
gnomAD v4.1: 76 of 1,612,882 alleles (0.0047%); highest among the groups gnomAD compares: Non-Finnish European, 0.0059%; no homozygotes.

Submissions (2):

Women's Health and Genetics/Laboratory Corporation of America, LabCorp
Classification: Uncertain significance. Last evaluated: 2023-08-02. Review status: criteria provided, single submitter. Criteria: LabCorp Variant Classification Summary - May 2015. Collection method: clinical testing. Allele origin: germline.
Comment: Variant summary: DYNC2H1 c.6206T>C (p.Val2069Ala) results in a non-conservative amino acid change located in the AAA+ ATPase domain (IPR003593) of the encoded protein sequence. Five of five in-silico tools predict a damaging effect of the variant on protein function. The variant allele was found at a frequency of 1.2e-05 in 248794 control chromosomes (gnomAD). The available data on variant occurrences in the general population are insufficient to allow any conclusion about variant significance. c.6206T>C has been reported in the literature in individuals affected with heterotaxy, transposition of the great arteries, and neurodevelopmental disorders (Jin_2017). This report does not provide unequivocal conclusions about association of the variant with Short-rib thoracic dysplasia. To our knowledge, no experimental evidence demonstrating an impact on protein function has been reported. The following publication has been ascertained in the context of this evaluation (PMID: 28991257). No submitters have cited clinical-significance assessments for this variant to ClinVar after 2014. Based on the evidence outlined above, the variant was classified as uncertain significance.

Blueprint Genetics
Classification: Uncertain significance. Last evaluated: 2019-07-25. Review status: criteria provided, single submitter. Criteria: ACMG Guidelines, 2015. Collection method: clinical testing. Allele origin: germline.

Literature cited by the submitters: PubMed 28991257 (cited by Women's Health and Genetics/Laboratory Corporation of America, LabCorp).

NM_001377.3(DYNC2H1):c.6206T>C (p.Val2069Ala)

Gene: DYNC2H1 (dynein cytoplasmic 2 heavy chain 1; plus strand). Cytogenetic location: 11q22.3.
Variant type: single nucleotide variant.
Coding change: c.6206T>C on transcript NM_001377.3 (MANE Select); coding-DNA position 6206, T replaced by C.
Protein change: p.Val2069Ala; replaces valine 2069 with alanine.
Molecular consequence: missense variant.
Genome position (GRCh38, 1-based): chr11:103,179,092, T>C. VCF-style: chr11-103179092-T-C. GRCh37 (hg19) VCF-style: chr11-103049821-T-C.
Other names: c.6206T>C, p.Val2069Ala (NM_001080463.2); short protein forms V2069A.
Identifiers: ClinVar variation 2581194 (VCV002581194.2), dbSNP rs921456254, ClinGen allele CA227403506.